The following is an entry in ClinVar:

ClinVar aggregate classification (germline): Pathogenic (1 of 4 stars; one submission).

Conditions:
Cardiac anomalies - developmental delay - facial dysmorphism syndrome (MRFACD). Also called: Impaired intellectual development and distinctive facial features with or without cardiac defects; MED13L Syndrome. Identifiers: Orphanet 369891, MedGen C5192431, MONDO:0014773, OMIM 616789.
Dextro-looped transposition of the great arteries. Also called: Dextrotransposition of the great arteries. Identifiers: Orphanet 860, MedGen C3531771, MONDO:0019443, OMIM 608808, HP:0031348.

Submission:

Institute for Genomic Medicine (IGM) Clinical Laboratory, Nationwide Children's Hospital
Classification: Pathogenic for Cardiac anomalies - developmental delay - facial dysmorphism syndrome; Dextro-looped transposition of the great arteries. Last evaluated: 2018-05-08. Review status: criteria provided, single submitter. Criteria: ACMG Guidelines, 2015. Collection method: clinical testing. Allele origin: germline. Affected: yes.
Comment: [ACMG/AMP: PVS1, PS2, PM2] This alteration is a null variant in a gene where LOF is a known mechanism of disease [PVS1], is de novo in origin as it was not detected in the submitted parental specimens (identity confirmed) [PS2], is absent from or rarely observed in large-scale population databases [PM2].

NM_015335.5(MED13L):c.1077_1093del (p.Met359fs)

Gene: MED13L (mediator complex subunit 13L; minus strand). Cytogenetic location: 12q24.21.
Variant type: Deletion.
Coding change: c.1077_1093del on transcript NM_015335.5 (MANE Select); coding-DNA positions 1077 to 1093, 17 bases deleted (GCACAGTCCAAAGAGAT).
Protein change: p.Met359fs; shifts the reading frame from methionine 359.
Molecular consequence: frameshift variant.
Genome position (GRCh38, 1-based): chr12:116,015,191-116,015,207, ATCTCTTTGGACTGTGC deleted on the plus strand (GCACAGTCCAAAGAGAT on the coding strand, the reverse complement: MED13L is on the minus strand); deleting any 17 consecutive bases within chr12:116,015,191-116,015,210 gives the same sequence; the c. name uses the placement nearest the transcript's 3' end. VCF-style (leftmost placement, unchanged base first): chr12-116015190-GATCTCTTTGGACTGTGC-G. GRCh37 (hg19) VCF-style: chr12-116452995-GATCTCTTTGGACTGTGC-G.
Other names: short protein forms M359fs.
Identifiers: ClinVar variation 973240 (VCV000973240.5), dbSNP rs1879651226, ClinGen allele CA1139662906.